The following is an entry in ClinVar:

NM_006468.8(POLR3C):c.1496T>A (p.Leu499Gln)

Gene: POLR3C (RNA polymerase III subunit C; plus strand). Cytogenetic location: 1q21.1.
Variant type: single nucleotide variant.
Coding change: c.1496T>A on transcript NM_006468.8 (MANE Select); coding-DNA position 1496, T replaced by A.
Protein change: p.Leu499Gln; replaces leucine 499 with glutamine.
Molecular consequence: missense variant.
Genome position (GRCh38, 1-based): chr1:145,841,044, T>A. VCF-style: chr1-145841044-T-A. GRCh37 (hg19) VCF-style: chr1-145594066-A-T.
Other names: c.1535T>A, p.Leu512Gln (NM_001303456.1); short protein forms L499Q, L512Q.
Identifiers: ClinVar variation 2632405 (VCV002632405.1), dbSNP rs2526233209, ClinGen allele CA342112681.
Genomic context (GRCh38, chr1:145,841,044, plus strand): 5'-CAGAGGAAGCACAGTTACAAGAAATAGAGGAGATGATCACAGCTCCTGAACGTCAGCAGC[T>A]AGAGACCCTGAAACGTAATGTCAACAAGTAAGCATCATAAACTTCAGACCTGCATTTCAG-3'
Protein context (NP_006459.3, residues 489-509): EMITAPERQQ[Leu499Gln]ETLKRNVNKL

ClinVar aggregate classification (germline): Uncertain significance (1 of 4 stars; one submission).

Conditions:
POLR3C-related disorder. Also called: POLR3C-related condition.

Allele frequency attached by ClinVar (database versions not stated): gnomAD exomes below 0.00001.
gnomAD v4.1: 1 of 1,613,920 alleles (0.000062%); highest among the groups gnomAD compares: Middle Eastern, 0.017%; no homozygotes.

Submission:

PreventionGenetics, part of Exact Sciences
Classification: Uncertain significance for POLR3C-related condition. Last evaluated: 2023-06-07. Review status: criteria provided, single submitter. Criteria: ACMG Guidelines, 2015. Collection method: clinical testing. Allele origin: germline.
Comment: The POLR3C c.1535T>A variant is predicted to result in the amino acid substitution p.Leu512Gln. To our knowledge, this variant has not been reported in the literature or in a large population database, indicating this variant is rare. At this time, the clinical significance of this variant is uncertain due to the absence of conclusive functional and genetic evidence.